The following is an entry in ClinVar:

ClinVar aggregate classification (germline): Uncertain significance (1 of 4 stars; one submission).

Conditions:
Myofibrillar myopathy 6. Identifiers: Orphanet 199340, MedGen C2751831, MONDO:0013061, OMIM 612954.
Dilated cardiomyopathy 1HH (CMD1HH). Identifiers: Orphanet 154, MedGen C3151293, MONDO:0013479, OMIM 613881.

Submission:

Labcorp Genetics (formerly Invitae), Labcorp
Classification: Uncertain significance for Dilated cardiomyopathy 1HH; Myofibrillar myopathy 6. Last evaluated: 2022-12-05. Review status: criteria provided, single submitter. Criteria: Invitae Variant Classification Sherloc (09022015). Collection method: clinical testing. Allele origin: germline.
Comment: In summary, the available evidence is currently insufficient to determine the role of this variant in disease. Therefore, it has been classified as a Variant of Uncertain Significance. Advanced modeling of protein sequence and biophysical properties (such as structural, functional, and spatial information, amino acid conservation, physicochemical variation, residue mobility, and thermodynamic stability) performed at Invitae indicates that this missense variant is not expected to disrupt BAG3 protein function. This variant has not been reported in the literature in individuals affected with BAG3-related conditions. This variant is not present in population databases (gnomAD no frequency). This sequence change replaces histidine, which is basic and polar, with glutamine, which is neutral and polar, at codon 243 of the BAG3 protein (p.His243Gln).

NM_004281.4(BAG3):c.729C>G (p.His243Gln)

Gene: BAG3 (BAG cochaperone 3; plus strand). Cytogenetic location: 10q26.11.
Variant type: single nucleotide variant.
Coding change: c.729C>G on transcript NM_004281.4 (MANE Select); coding-DNA position 729, C replaced by G.
Protein change: p.His243Gln; replaces histidine 243 with glutamine.
Molecular consequence: missense variant.
Genome position (GRCh38, 1-based): chr10:119,672,476, C>G. VCF-style: chr10-119672476-C-G. GRCh37 (hg19) VCF-style: chr10-121431988-C-G.
Other names: short protein forms H243Q.
Identifiers: ClinVar variation 2937733 (VCV002937733.3), dbSNP rs2494014160, ClinGen allele CA378295679.